The following is an entry in ClinVar:

ClinVar aggregate classification (germline): Uncertain significance (1 of 4 stars; one submission).

Conditions:
MHC class I deficiency. Identifiers: Orphanet 34592, MedGen C6024714, MONDO:0011476.

Allele frequency attached by ClinVar (database versions not stated): gnomAD exomes below 0.00001.
gnomAD v4.1: 6 of 1,614,190 alleles (0.00037%); highest among the groups gnomAD compares: Non-Finnish European, 0.00042%; no homozygotes.

Submission:

Labcorp Genetics (formerly Invitae), Labcorp
Classification: Uncertain significance for MHC class I deficiency 1. Last evaluated: 2022-03-16. Review status: criteria provided, single submitter. Criteria: Invitae Variant Classification Sherloc (09022015). Collection method: clinical testing. Allele origin: germline.
Comment: Algorithms developed to predict the effect of missense changes on protein structure and function output the following: SIFT: "Tolerated"; PolyPhen-2: "Not Available"; Align-GVGD: "Class C0". The valine amino acid residue is found in multiple mammalian species, which suggests that this missense change does not adversely affect protein function. ClinVar contains an entry for this variant (Variation ID: 846442). This variant has not been reported in the literature in individuals affected with TAP2-related conditions. This variant is not present in population databases (gnomAD no frequency). This sequence change replaces leucine, which is neutral and non-polar, with valine, which is neutral and non-polar, at codon 615 of the TAP2 protein (p.Leu615Val). In summary, the available evidence is currently insufficient to determine the role of this variant in disease. Therefore, it has been classified as a Variant of Uncertain Significance.

NM_001290043.2(TAP2):c.1843C>G (p.Leu615Val)

Gene: TAP2 (transporter 2, ATP binding cassette subfamily B member; minus strand). Cytogenetic location: 6p21.32.
Variant type: single nucleotide variant.
Coding change: c.1843C>G on transcript NM_001290043.2 (MANE Select); coding-DNA position 1843, C replaced by G.
Protein change: p.Leu615Val; replaces leucine 615 with valine.
Molecular consequence: missense variant.
Genome position (GRCh38, 1-based): chr6:32,829,489, G>C on the plus strand (C>G on the coding strand, the complement: TAP2 is on the minus strand). VCF-style: chr6-32829489-G-C. GRCh37 (hg19) VCF-style: chr6-32797266-G-C.
Other names: c.1843C>G, p.Leu615Val (NM_018833.3, NM_000544.3); short protein forms L615V.
Identifiers: ClinVar variation 846442 (VCV000846442.9), dbSNP rs1768904881, ClinGen allele CA363579097.
Genomic context (GRCh38, chr6:32,829,489, plus strand): 5'-TAGTAGCCTCATCCAGGATGAGGACCCGCGGGTCTCGTACAAGGGCCCGGGCAATGGCCA[G>C]ACGTTGTTTCTGTCCCGCAGCCAGCTGGCTTCCCTTCTCCCCTACATCTGAGGAAATCAG-3'
Protein context (NP_001276972.1, residues 605-625): SQLAAGQKQR[Leu615Val]AIARALVRDP